The following is an entry in ClinVar:

NM_004736.4(XPR1):c.921G>A (p.Pro307=)

Gene: XPR1 (xenotropic and polytropic retrovirus receptor 1; plus strand). Cytogenetic location: 1q25.3.
Variant type: single nucleotide variant.
Coding change: c.921G>A on transcript NM_004736.4 (MANE Select); coding-DNA position 921, G replaced by A.
Protein change: p.Pro307=; no amino-acid change (proline 307 retained).
Molecular consequence: synonymous variant. On other transcripts: non-coding transcript variant (1).
Genome position (GRCh38, 1-based): chr1:180,824,910, G>A. VCF-style: chr1-180824910-G-A. GRCh37 (hg19) VCF-style: chr1-180794046-G-A.
Other names: p.Pro307=; c.921G>A, p.Pro307= (NM_001135669.2, NM_001328662.2).
Identifiers: ClinVar variation 718143 (VCV000718143.19), dbSNP rs151270778, ClinGen allele CA1272641.

ClinVar aggregate classification (germline): Benign/Likely benign. Review status: criteria provided, multiple submitters, no conflicts (2 of 4 stars). 7 submissions from 7 submitters: Benign (2); Likely benign (3). 2 of the submissions do not count toward it. Last evaluated 2026-03-01.

Allele frequency attached by ClinVar (database versions not stated): ExAC 0.00079; gnomAD exomes 0.00093 and 0.00216; 1000 Genomes Project 30x 0.00094; 1000 Genomes Project 0.00100; TOPMed 0.00107; gnomAD 0.00114 and 0.00117; ESP Exome Variant Server 0.00161.
gnomAD v4.1: 3,331 of 1,613,698 alleles (0.21%); highest among the groups gnomAD compares: Non-Finnish European, 0.26%; 7 homozygotes.

Submissions (7):

CeGaT Center for Human Genetics Tuebingen
Classification: Likely benign. Last evaluated: 2026-03-01. Review status: criteria provided, single submitter. Criteria: CeGaT Center For Human Genetics Tuebingen Variant Classification Criteria Version 2. Collection method: clinical testing. Allele origin: germline. Affected: yes. Observed: 2 variant alleles.
Comment: XPR1: BP4, BP7

Labcorp Genetics (formerly Invitae), Labcorp
Classification: Benign. Last evaluated: 2026-02-03. Review status: criteria provided, single submitter. Criteria: Invitae Variant Classification Sherloc (09022015). Collection method: clinical testing. Allele origin: germline.

Mayo Clinic Laboratories, Mayo Clinic
Classification: Likely benign. Last evaluated: 2025-03-26. Review status: criteria provided, single submitter. Criteria: ACMG Guidelines, 2015. Collection method: clinical testing. Allele origin: germline. Observed: 1 variant allele.
Comment: BS2, BP4, BP7

Blueprint Genetics
Classification: Likely benign. Last evaluated: 2024-10-31. Review status: criteria provided, single submitter. Criteria: ACMG Guidelines, 2015. Collection method: clinical testing. Allele origin: germline.

GeneDx
Classification: Benign. Last evaluated: 2021-05-03. Review status: criteria provided, single submitter. Criteria: GeneDx Variant Classification Process June 2021. Collection method: clinical testing. Allele origin: germline. Affected: yes.

Clinical Genetics DNA and cytogenetics Diagnostics Lab, Erasmus MC, Erasmus Medical Center
Classification: Likely benign. Review status: no assertion criteria provided. Collection method: clinical testing. Allele origin: germline. Affected: yes. Study: VKGL Data-share Consensus. Not counted in ClinVar's aggregate classification.

Genome Diagnostics Laboratory, Amsterdam University Medical Center
Classification: Likely benign. Review status: no assertion criteria provided. Collection method: clinical testing. Allele origin: germline. Affected: yes. Study: VKGL Data-share Consensus. Not counted in ClinVar's aggregate classification.